The following is an entry in ClinVar:

NM_000090.4(COL3A1):c.3418-15A>G

Gene: COL3A1 (collagen type III alpha 1 chain; plus strand). Cytogenetic location: 2q32.2.
Variant type: single nucleotide variant.
Coding change: c.3418-15A>G on transcript NM_000090.4 (MANE Select); 15 bases into the intron before coding-DNA position 3418, A replaced by G.
Molecular consequence: intron variant.
Genome position (GRCh38, 1-based): chr2:189,008,020, A>G. VCF-style: chr2-189008020-A-G. GRCh37 (hg19) VCF-style: chr2-189872746-A-G.
Identifiers: ClinVar variation 1171673 (VCV001171673.8), dbSNP rs754815421, ClinGen allele CA076098.

ClinVar aggregate classification (germline): Likely benign. Review status: criteria provided, multiple submitters, no conflicts (2 of 4 stars). 3 submissions from 3 submitters: Likely benign (3). Last evaluated 2025-12-03.

Conditions:
Familial thoracic aortic aneurysm and aortic dissection (TAAD). Also called: Thoracic aortic aneurysms and dissections. Identifiers: Orphanet 91387, MedGen C4707243, MONDO:0019625.
Ehlers-Danlos syndrome, type 4 (EDSVASC). Also called: Ehlers-Danlos syndrome vascular type; Ehlers Danlos syndrome, ecchymotic type; Ehlers Danlos syndrome, arterial type; Ehlers Danlos syndrome, Sack-Barabas type; Ehlers-Danlos Syndrome Type IV. Identifiers: Orphanet 286, MedGen C0268338, MONDO:0017314, OMIM 130050.

Allele frequency attached by ClinVar (database versions not stated): TOPMed below 0.00001; gnomAD 0.00001; gnomAD exomes 0.00001 and 0.00002; ExAC 0.00003.
gnomAD v4.1: 12 of 1,613,926 alleles (0.00074%); highest among the groups gnomAD compares: South Asian, 0.0066%; no homozygotes.

Submissions (3):

Labcorp Genetics (formerly Invitae), Labcorp
Classification: Likely benign for Ehlers-Danlos syndrome, type 4. Last evaluated: 2025-12-03. Review status: criteria provided, single submitter. Criteria: Invitae Variant Classification Sherloc (09022015). Collection method: clinical testing. Allele origin: germline.

All of Us Research Program, National Institutes of Health
Classification: Likely benign for Ehlers-Danlos syndrome, type 4. Last evaluated: 2024-02-05. Review status: criteria provided, single submitter. Criteria: ACMG Guidelines, 2015. Collection method: clinical testing. Allele origin: germline. Inheritance: Autosomal dominant inheritance. Observed: 1 variant allele, 1 heterozygote.
Comment: This study involves interpretation of variants in research participants for the purpose of population health screening. Participant phenotype was not available at the time of variant classification. Additional details can be found in publication PMID: 35346344, PMCID: PMC8962531

Color Diagnostics, LLC DBA Color Health
Classification: Likely benign for Familial thoracic aortic aneurysm and aortic dissection. Last evaluated: 2021-01-11. Review status: criteria provided, single submitter. Criteria: ACMG Guidelines, 2015. Collection method: clinical testing. Allele origin: germline.